The following is an entry in ClinVar:

ClinVar aggregate classification (germline): Uncertain significance (1 of 4 stars; one submission).

Allele frequency attached by ClinVar (database versions not stated): TOPMed below 0.00001.
gnomAD v4.1: 2 of 1,613,946 alleles (0.00012%); highest among the groups gnomAD compares: African/African-American, 0.0013%; no homozygotes.

Submission:

Labcorp Genetics (formerly Invitae), Labcorp
Classification: Uncertain significance. Last evaluated: 2022-05-03. Review status: criteria provided, single submitter. Criteria: Invitae Variant Classification Sherloc (09022015). Collection method: clinical testing. Allele origin: germline.
Comment: This variant is not present in population databases (gnomAD no frequency). This sequence change replaces glycine, which is neutral and non-polar, with cysteine, which is neutral and slightly polar, at codon 20 of the PDZD7 protein (p.Gly20Cys). In summary, the available evidence is currently insufficient to determine the role of this variant in disease. Therefore, it has been classified as a Variant of Uncertain Significance. Algorithms developed to predict the effect of missense changes on protein structure and function are either unavailable or do not agree on the potential impact of this missense change (SIFT: "Deleterious"; PolyPhen-2: "Not Available"; Align-GVGD: "Class C0"). ClinVar contains an entry for this variant (Variation ID: 1006052). This variant has not been reported in the literature in individuals affected with PDZD7-related conditions.

NM_001195263.2(PDZD7):c.58G>T (p.Gly20Cys)

Gene: PDZD7 (PDZ domain containing 7; minus strand). Cytogenetic location: 10q24.31.
Variant type: single nucleotide variant.
Coding change: c.58G>T on transcript NM_001195263.2 (MANE Select); coding-DNA position 58, G replaced by T.
Protein change: p.Gly20Cys; replaces glycine 20 with cysteine.
Molecular consequence: missense variant.
Genome position (GRCh38, 1-based): chr10:101,030,162, C>A on the plus strand (G>T on the coding strand, the complement: PDZD7 is on the minus strand). VCF-style: chr10-101030162-C-A. GRCh37 (hg19) VCF-style: chr10-102789919-C-A.
Other names: c.58G>T, p.Gly20Cys (NM_001351044.2, NM_024895.5); short protein forms G20C.
Identifiers: ClinVar variation 1006052 (VCV001006052.8), dbSNP rs751360598, ClinGen allele CA212992236.